The following is an entry in ClinVar:

ClinVar aggregate classification (germline): Uncertain significance (1 of 4 stars; one submission).

Conditions:
Inborn genetic diseases. Identifiers: MedGen C0950123, MeSH D030342.

Submission:

Ambry Genetics
Classification: Uncertain significance for Inborn genetic diseases. Last evaluated: 2025-03-31. Review status: criteria provided, single submitter. Criteria: Ambry Variant Classification Scheme 2023. Collection method: clinical testing. Allele origin: germline.
Comment: The p.S544F variant (also known as c.1631C>T), located in coding exon 11 of the LTBP3 gene, results from a C to T substitution at nucleotide position 1631. The serine at codon 544 is replaced by phenylalanine, an amino acid with highly dissimilar properties. This amino acid position is conserved. In addition, the in silico prediction for this alteration is inconclusive. Based on the available evidence, the clinical significance of this variant remains unclear.

NM_001130144.3(LTBP3):c.1631C>T (p.Ser544Phe)

Gene: LTBP3 (latent transforming growth factor beta binding protein 3; minus strand). Cytogenetic location: 11q13.1.
Variant type: single nucleotide variant.
Coding change: c.1631C>T on transcript NM_001130144.3 (MANE Select); coding-DNA position 1631, C replaced by T.
Protein change: p.Ser544Phe; replaces serine 544 with phenylalanine.
Molecular consequence: missense variant.
Genome position (GRCh38, 1-based): chr11:65,551,215, G>A on the plus strand (C>T on the coding strand, the complement: LTBP3 is on the minus strand). VCF-style: chr11-65551215-G-A. GRCh37 (hg19) VCF-style: chr11-65318686-G-A.
Other names: c.1280C>T, p.Ser427Phe (NM_001164266.1); c.1631C>T, p.Ser544Phe (NM_021070.4); short protein forms S427F, S544F.
Identifiers: ClinVar variation 4049861 (VCV004049861.1).